The following is an entry in ClinVar:

NM_004586.3(RPS6KA3):c.1443+6T>C

Gene: RPS6KA3 (ribosomal protein S6 kinase A3; minus strand). Cytogenetic location: Xp22.12.
Variant type: single nucleotide variant.
Coding change: c.1443+6T>C on transcript NM_004586.3 (MANE Select); 6 bases into the intron after coding-DNA position 1443, T replaced by C.
Molecular consequence: intron variant.
Genome position (GRCh38, 1-based): chrX:20,169,396, A>G on the plus strand (T>C on the coding strand, the complement: RPS6KA3 is on the minus strand). VCF-style: chrX-20169396-A-G. GRCh37 (hg19) VCF-style: chrX-20187514-A-G.
Identifiers: ClinVar variation 1030820 (VCV001030820.1), dbSNP rs2067519822, ClinGen allele CA2418507442.

ClinVar aggregate classification (germline): Uncertain significance (1 of 4 stars; one submission).

Conditions:
Coffin-Lowry syndrome (CLS). Also called: Mental retardation with osteocartilaginous abnormalities; COFFIN-LOWRY SYNDROME, MILD. Identifiers: Orphanet 192, MedGen C0265252, MONDO:0010561, OMIM 303600.

Submission:

Baylor Genetics
Classification: Uncertain significance for Coffin-Lowry syndrome. Last evaluated: 2020-05-04. Review status: criteria provided, single submitter. Criteria: ACMG Guidelines, 2015. Collection method: clinical testing. Allele origin: unknown. Affected: yes.
Comment: This variant was determined to be of uncertain significance according to ACMG Guidelines, 2015 [PMID:25741868].